The following is an entry in ClinVar:

NM_001126108.2(SLC12A3):c.2599G>A (p.Gly867Ser)

Gene: SLC12A3 (solute carrier family 12 member 3; plus strand). Cytogenetic location: 16q13.
Variant type: single nucleotide variant.
Coding change: c.2599G>A on transcript NM_001126108.2 (MANE Select); coding-DNA position 2599, G replaced by A.
Protein change: p.Gly867Ser; replaces glycine 867 with serine.
Molecular consequence: missense variant.
Genome position (GRCh38, 1-based): chr16:56,894,608, G>A. VCF-style: chr16-56894608-G-A. GRCh37 (hg19) VCF-style: chr16-56928520-G-A.
Other names: c.2626G>A, p.Gly876Ser (NM_000339.3); c.2623G>A, p.Gly875Ser (NM_001126107.2); short protein forms G867S, G875S, G876S.
Identifiers: ClinVar variation 1303037 (VCV001303037.10), dbSNP rs370301695, ClinGen allele CA8069978.

ClinVar aggregate classification (germline): Conflicting classifications of pathogenicity. Review status: criteria provided, conflicting classifications (1 of 4 stars). 6 submissions from 6 submitters: Likely pathogenic (5); Uncertain significance (1). Last evaluated 2025-10-31.

Conditions:
Renal tubulopathies.
Familial hypokalemia-hypomagnesemia (GTLMNS). Also called: gitelman syndrome; HYPOMAGNESEMIA-HYPOKALEMIA, PRIMARY RENOTUBULAR, WITH HYPOCALCIURIA; POTASSIUM AND MAGNESIUM DEPLETION. Identifiers: Orphanet 358, MedGen C0268450, MONDO:0009904, OMIM 263800.

Allele frequency attached by ClinVar (database versions not stated): gnomAD 0.00003; gnomAD exomes 0.00008; TOPMed 0.00002; ESP Exome Variant Server 0.00015; ExAC 0.00013.
gnomAD v4.1: 36 of 1,613,966 alleles (0.0022%); highest among the groups gnomAD compares: East Asian, 0.0045%; no homozygotes.

Submissions (6):

Genetics Laboratory, Great Ormond Street Hospital NHS Foundation Trust, North Thames Genomic Laboratory Hub
Classification: Likely pathogenic for Renal tubulopathies. Last evaluated: 2025-10-31. Review status: criteria provided, single submitter. Criteria: ACGS Best Practice Guidelines for Variant Classification in Rare Disease 2024 v1.2. Collection method: clinical testing. Allele origin: germline. Affected: yes.
Comment: PM2_moderate, PP3_supporting, PM3_moderate, PP4_supporting

First Genomix Gene Laboratory, Genetic Diagnostics Department
Classification: Likely pathogenic for Familial hypokalemia-hypomagnesemia. Last evaluated: 2025-09-04. Review status: criteria provided, single submitter. Criteria: ACMG Guidelines, 2015. Collection method: clinical testing. Allele origin: germline. Inheritance: Autosomal recessive inheritance. Affected: no. Observed: 1 variant allele.

Clinical Genetics Laboratory, Skane University Hospital Lund
Classification: Likely pathogenic for Familial hypokalemia-hypomagnesemia. Last evaluated: 2025-06-24. Review status: criteria provided, single submitter. Criteria: ACMG Guidelines, 2015. Collection method: clinical testing. Allele origin: germline. Affected: yes.
Comment: ACMG criteria used: PM2, PM3, PP1, PP3, PP4_Moderate

Labcorp Genetics (formerly Invitae), Labcorp
Classification: Likely pathogenic. Last evaluated: 2024-05-14. Review status: criteria provided, single submitter. Criteria: Invitae Variant Classification Sherloc (09022015). Collection method: clinical testing. Allele origin: germline.
Comment: This sequence change replaces glycine, which is neutral and non-polar, with serine, which is neutral and polar, at codon 876 of the SLC12A3 protein (p.Gly876Ser). This variant is present in population databases (rs370301695, gnomAD 0.01%). This missense change has been observed in individuals with Gitelman syndrome (PMID: 17654016; Invitae). ClinVar contains an entry for this variant (Variation ID: 1303037). Advanced modeling of protein sequence and biophysical properties (such as structural, functional, and spatial information, amino acid conservation, physicochemical variation, residue mobility, and thermodynamic stability) performed at Invitae indicates that this missense variant is expected to disrupt SLC12A3 protein function with a positive predictive value of 80%. In summary, the currently available evidence indicates that the variant is pathogenic, but additional data are needed to prove that conclusively. Therefore, this variant has been classified as Likely Pathogenic.

European Hospital Georges Pompidou Genetics Department, Assistance Publique - Hôpitaux de Paris AP-HP
Classification: Likely pathogenic for Familial hypokalemia-hypomagnesemia. Last evaluated: 2022-04-27. Review status: criteria provided, single submitter. Criteria: ACMG Guidelines, 2015. Collection method: clinical testing. Allele origin: germline. Affected: yes.
Comment: ACMG criteria used:PM1 PM2 PM3 PP5

GeneDx
Classification: Uncertain significance. Last evaluated: 2021-04-26. Review status: criteria provided, single submitter. Criteria: GeneDx Variant Classification Process June 2021. Collection method: clinical testing. Allele origin: germline. Affected: yes.
Comment: Observed in a patient with Gitelman syndrome in published literature (Fava et al., 2007); In silico analysis supports that this missense variant has a deleterious effect on protein structure/function; This variant is associated with the following publications: (PMID: 17654016)

Literature cited by the submitters: PubMed 17654016 (cited by Labcorp Genetics (formerly Invitae), Labcorp).